The following is an entry in ClinVar:

NM_004586.3(RPS6KA3):c.261A>C (p.Lys87Asn)

Gene: RPS6KA3 (ribosomal protein S6 kinase A3; minus strand). Cytogenetic location: Xp22.12.
Variant type: single nucleotide variant.
Coding change: c.261A>C on transcript NM_004586.3 (MANE Select); coding-DNA position 261, A replaced by C.
Protein change: p.Lys87Asn; replaces lysine 87 with asparagine.
Molecular consequence: missense variant.
Genome position (GRCh38, 1-based): chrX:20,204,086, T>G on the plus strand (A>C on the coding strand, the complement: RPS6KA3 is on the minus strand). VCF-style: chrX-20204086-T-G. GRCh37 (hg19) VCF-style: chrX-20222204-T-G.
Other names: short protein forms K87N.
Identifiers: ClinVar variation 450883 (VCV000450883.1), dbSNP rs1555948447, ClinGen allele CA412511744.

ClinVar aggregate classification (germline): Uncertain significance (1 of 4 stars; one submission).

Submission:

GeneDx
Classification: Uncertain significance. Last evaluated: 2017-07-21. Review status: criteria provided, single submitter. Criteria: GeneDx Variant Classification (06012015). Collection method: clinical testing. Allele origin: germline. Affected: yes.
Comment: The K87N variant has not been published as a pathogenic variant, nor has it been reported as a benign variant to our knowledge. The K87N variant is not observed in large population cohorts (Lek et al., 2016; 1000 Genomes Consortium et al., 2015; Exome Variant Server). The K87N variant is a semi-conservative amino acid substitution, which may impact secondary protein structure as these residues differ in some properties. This substitution occurs at a position that is conserved across species. In silico analysis predicts this variant is probably damaging to the protein structure/function. Missense variants in nearby residues (V82F and V85F) have been reported in the Human Gene Mutation Database in association with Coffin-Lowry syndrome (Stenson et al., 2014). In summary, based on the currently available information, it is unclear whether this variant is a pathogenic variant or a rare benign variant